The following is an entry in ClinVar:

ClinVar aggregate classification (germline): Conflicting classifications of pathogenicity. Review status: criteria provided, conflicting classifications (1 of 4 stars). 6 submissions from 2 submitters: Uncertain significance (3); Benign (1); Likely benign (2). Last evaluated 2025-12-13.

Conditions:
Tibial muscular dystrophy (TMD). Also called: Udd Distal Myopathy – Tibial Muscular Dystrophy; UDD MYOPATHY; Tibial muscular dystrophy, tardive. Identifiers: Orphanet 609, MedGen C1838244, MONDO:0010870, OMIM 600334.
Dilated cardiomyopathy 1G (CMD1G). Identifiers: Orphanet 154, MedGen C1858763, MONDO:0011400, OMIM 604145.
Autosomal recessive limb-girdle muscular dystrophy type 2J (LGMDR10). Also called: MUSCULAR DYSTROPHY, LIMB-GIRDLE, AUTOSOMAL RECESSIVE 10; Limb-girdle muscular dystrophy, type 2J. Identifiers: Orphanet 140922, MedGen C1837342, MONDO:0012127, OMIM 608807.
Myopathy, myofibrillar, 9, with early respiratory failure (MFM9). Also called: Myopathy, distal, with early respiratory failure, autosomal dominant; Hereditary myopathy with early respiratory failure; EDSTROM MYOPATHY; MYOPATHY, PROXIMAL, WITH EARLY RESPIRATORY MUSCLE INVOLVEMENT. Identifiers: Orphanet 178464, Orphanet 34521, MedGen C1863599, MONDO:0011362, OMIM 603689.
Early-onset myopathy with fatal cardiomyopathy (CMYO5). Also called: CONGENITAL MYOPATHY 5 WITH CARDIOMYOPATHY; Salih Myopathy. Identifiers: Orphanet 289377, MedGen C2673677, MONDO:0012714, OMIM 611705. Disease mechanism: loss of function.

Allele frequency attached by ClinVar (database versions not stated): gnomAD exomes 0.00002 and 0.00004; gnomAD 0.00003; TOPMed 0.00003; ExAC 0.00004.
gnomAD v4.1: 35 of 1,613,512 alleles (0.0022%); highest among the groups gnomAD compares: East Asian, 0.062%; no homozygotes.

Submissions (6):

Labcorp Genetics (formerly Invitae), Labcorp
Classification: Likely benign for Dilated cardiomyopathy 1G; Autosomal recessive limb-girdle muscular dystrophy type 2J. Last evaluated: 2025-12-13. Review status: criteria provided, single submitter. Criteria: Invitae Variant Classification Sherloc (09022015). Collection method: clinical testing. Allele origin: germline.

Illumina Laboratory Services, Illumina
Classification: Benign for Tibial muscular dystrophy. Last evaluated: 2018-01-13. Review status: criteria provided, single submitter. Criteria: ICSL Variant Classification Criteria 13 December 2019. Collection method: clinical testing. Allele origin: germline.
Comment: This variant was observed in the ICSL laboratory as part of a predisposition screen in an ostensibly healthy population. It had not been previously curated by ICSL or reported in the Human Gene Mutation Database (HGMD: prior to June 1st, 2018), and was therefore a candidate for classification through an automated scoring system. Utilizing variant allele frequency, disease prevalence and penetrance estimates, and inheritance mode, an automated score was calculated to assess if this variant is too frequent to cause the disease. Based on the score and internal cut-off values, a variant classified as benign is not then subjected to further curation. The score for this variant resulted in a classification of benign for this disease.

Illumina Laboratory Services, Illumina
Classification: Uncertain significance for Early-onset myopathy with fatal cardiomyopathy. Last evaluated: 2018-01-13. Review status: criteria provided, single submitter. Criteria: ICSL Variant Classification Criteria 13 December 2019. Collection method: clinical testing. Allele origin: germline.

Illumina Laboratory Services, Illumina
Classification: Uncertain significance for Dilated cardiomyopathy 1G. Last evaluated: 2018-01-13. Review status: criteria provided, single submitter. Criteria: ICSL Variant Classification Criteria 13 December 2019. Collection method: clinical testing. Allele origin: germline.

Illumina Laboratory Services, Illumina
Classification: Likely benign for Myopathy, myofibrillar, 9, with early respiratory failure. Last evaluated: 2018-01-13. Review status: criteria provided, single submitter. Criteria: ICSL Variant Classification Criteria 13 December 2019. Collection method: clinical testing. Allele origin: germline.
Comment: This variant was observed in the ICSL laboratory as part of a predisposition screen in an ostensibly healthy population. It had not been previously curated by ICSL or reported in the Human Gene Mutation Database (HGMD: prior to June 1st, 2018), and was therefore a candidate for classification through an automated scoring system. Utilizing variant allele frequency, disease prevalence and penetrance estimates, and inheritance mode, an automated score was calculated to assess if this variant is too frequent to cause the disease. Based on the score and internal cut-off values, a variant classified as likely benign is not then subjected to further curation. The score for this variant resulted in a classification of likely benign for this disease.

Illumina Laboratory Services, Illumina
Classification: Uncertain significance for Autosomal recessive limb-girdle muscular dystrophy type 2J. Last evaluated: 2018-01-13. Review status: criteria provided, single submitter. Criteria: ICSL Variant Classification Criteria 13 December 2019. Collection method: clinical testing. Allele origin: germline.

NM_001267550.2(TTN):c.71793A>G (p.Pro23931=)

Genes: TTN (titin; minus strand), TTN-AS1 (TTN antisense RNA 1; plus strand). Cytogenetic location: 2q31.2.
Variant type: single nucleotide variant.
Coding change: c.71793A>G on transcript NM_001267550.2 (MANE Select); coding-DNA position 71793, A replaced by G.
Protein change: p.Pro23931=; no amino-acid change (proline 23931 retained).
Molecular consequence: synonymous variant.
Genome position (GRCh38, 1-based): chr2:178,574,339, T>C on the plus strand (A>G on the coding strand, the complement: TTN is on the minus strand). VCF-style: chr2-178574339-T-C. GRCh37 (hg19) VCF-style: chr2-179439066-T-C.
Other names: c.66870A>G, p.Pro22290= (NM_001256850.1); c.44598A>G, p.Pro14866= (NM_003319.4); c.64089A>G, p.Pro21363= (NM_133378.4); c.44973A>G, p.Pro14991= (NM_133432.3); c.45174A>G, p.Pro15058= (NM_133437.4).
Identifiers: ClinVar variation 332790 (VCV000332790.13), dbSNP rs780920316, ClinGen allele CA1990583.